The following is an entry in ClinVar:

ClinVar aggregate classification (germline): Uncertain significance (0 of 4 stars; one submission).

Conditions:
ANKRD26-related disorder. Also called: ANKRD26-related condition.

Allele frequency attached by ClinVar (database versions not stated): gnomAD exomes below 0.00001.

Submission:

PreventionGenetics, part of Exact Sciences
Classification: Uncertain significance for ANKRD26-related condition. Last evaluated: 2024-01-21. Review status: no assertion criteria provided. Collection method: clinical testing. Allele origin: germline.
Comment: The ANKRD26 c.4060delG variant is predicted to result in a frameshift and premature protein termination (p.Val1354Leufs*3). To our knowledge, this variant has not been reported in the literature or in a large population database, indicating this variant is rare. ANKRD26 haploinsufficiency is not known to cause disease. At this time, the clinical significance of this variant is uncertain due to the absence of conclusive functional and genetic evidence.

NM_014915.3(ANKRD26):c.4060del (p.Val1354fs)

Gene: ANKRD26 (ankyrin repeat domain containing 26; minus strand). Cytogenetic location: 10p12.1.
Variant type: Deletion.
Coding change: c.4060del on transcript NM_014915.3 (MANE Select); coding-DNA position 4060, one base deleted (G; older notation c.4060delG).
Protein change: p.Val1354fs; shifts the reading frame from valine 1354.
Molecular consequence: frameshift variant.
Genome position (GRCh38, 1-based): chr10:27,024,472, C deleted on the plus strand (G on the coding strand, the reverse complement: ANKRD26 is on the minus strand). VCF-style (leftmost placement, unchanged base first): chr10-27024471-AC-A. GRCh37 (hg19) VCF-style: chr10-27313400-AC-A.
Other names: c.4057del, p.Val1353fs (NM_001256053.2); short protein forms V1353fs, V1354fs.
Identifiers: ClinVar variation 3036354 (VCV003036354.2), dbSNP rs2538650985, ClinGen allele CA2574519917.